The following is an entry in ClinVar:

NM_001330260.2(SCN8A):c.2916del (p.Leu973fs)

Gene: SCN8A (sodium voltage-gated channel alpha subunit 8; plus strand). Cytogenetic location: 12q13.13.
Variant type: Deletion.
Coding change: c.2916del on transcript NM_001330260.2 (MANE Select); coding-DNA position 2916, one base deleted (T; older notation c.2916delT).
Protein change: p.Leu973fs; shifts the reading frame from leucine 973.
Molecular consequence: frameshift variant.
Genome position (GRCh38, 1-based): chr12:51,768,879, T deleted; the last of 3 consecutive T bases (chr12:51,768,877-51,768,879); deleting any one gives the same sequence. VCF-style (leftmost placement, unchanged base first): chr12-51768876-GT-G. GRCh37 (hg19) VCF-style: chr12-52162660-GT-G.
Other names: c.2916del, p.Leu973fs (NM_001177984.3, NM_001369788.1, NM_014191.4); short protein forms L973fs.
Identifiers: ClinVar variation 1318723 (VCV001318723.3), dbSNP rs2138868015, ClinGen allele CA2573053699.
Genomic context (GRCh38, chr12:51,768,876, plus strand): 5'-TGGATAACTTTTCTGCATTTGTTCCTTTTTTCCAATGCTACTGGCATAGGTGCTGAACCT[GT>G]TTCTGGCCTTGCTCCTGAGCTCCTTCAGTGCAGACAACCTGGCTGCCACAGATGACGATG-3'

ClinVar aggregate classification (germline): Pathogenic (1 of 4 stars; one submission).

Submission:

GeneDx
Classification: Pathogenic. Last evaluated: 2025-01-07. Review status: criteria provided, single submitter. Criteria: GeneDx Variant Classification Process June 2021. Collection method: clinical testing. Allele origin: germline. Affected: yes.
Comment: Frameshift variant predicted to result in protein truncation or nonsense mediated decay in a gene for which loss of function is a known mechanism of disease; Not observed in large population cohorts (gnomAD); Has not been previously published as pathogenic or benign to our knowledge